The following is an entry in ClinVar:

NM_021942.6(TRAPPC11):c.2146G>T (p.Ala716Ser)

Gene: TRAPPC11 (trafficking protein particle complex subunit 11; plus strand). Cytogenetic location: 4q35.1.
Variant type: single nucleotide variant.
Coding change: c.2146G>T on transcript NM_021942.6 (MANE Select); coding-DNA position 2146, G replaced by T.
Protein change: p.Ala716Ser; replaces alanine 716 with serine.
Molecular consequence: missense variant.
Genome position (GRCh38, 1-based): chr4:183,693,056, G>T. VCF-style: chr4-183693056-G-T. GRCh37 (hg19) VCF-style: chr4-184614209-G-T.
Other names: c.2146G>T, p.Ala716Ser (NM_199053.3); short protein forms A716S.
Identifiers: ClinVar variation 1410808 (VCV001410808.6), dbSNP rs2111065128, ClinGen allele CA358870923.

ClinVar aggregate classification (germline): Uncertain significance (1 of 4 stars; one submission).

Conditions:
Autosomal recessive limb-girdle muscular dystrophy type R18 (LGMDR18). Also called: Autosomal recessive limb-girdle muscular dystrophy type 2S; Limb-girdle muscular dystrophy, type 2S; MUSCULAR DYSTROPHY, LIMB-GIRDLE, AUTOSOMAL RECESSIVE 18. Identifiers: Orphanet 369840, MedGen C4517996, MONDO:0014144, OMIM 615356.

Submission:

Labcorp Genetics (formerly Invitae), Labcorp
Classification: Uncertain significance for Autosomal recessive limb-girdle muscular dystrophy type R18. Last evaluated: 2021-08-09. Review status: criteria provided, single submitter. Criteria: Invitae Variant Classification Sherloc (09022015). Collection method: clinical testing. Allele origin: germline.
Comment: In summary, the available evidence is currently insufficient to determine the role of this variant in disease. Therefore, it has been classified as a Variant of Uncertain Significance. Algorithms developed to predict the effect of missense changes on protein structure and function are either unavailable or do not agree on the potential impact of this missense change (SIFT: "Tolerated"; PolyPhen-2: "Possibly Damaging"; Align-GVGD: "Class C0"). This variant has not been reported in the literature in individuals affected with TRAPPC11-related conditions. This variant is not present in population databases (ExAC no frequency). This sequence change replaces alanine with serine at codon 716 of the TRAPPC11 protein (p.Ala716Ser). The alanine residue is highly conserved and there is a moderate physicochemical difference between alanine and serine.